The following is an entry in ClinVar:

NM_001256071.3(RNF213):c.10424-5T>A

Genes: RNF213 (ring finger protein 213; plus strand), RNF213-AS1 (RNF213 antisense RNA 1; minus strand). Cytogenetic location: 17q25.3.
Variant type: single nucleotide variant.
Coding change: c.10424-5T>A on transcript NM_001256071.3 (MANE Select); 5 bases into the intron before coding-DNA position 10424, T replaced by A.
Molecular consequence: intron variant. On other transcripts: non-coding transcript variant (1).
Genome position (GRCh38, 1-based): chr17:80,353,507, T>A. VCF-style: chr17-80353507-T-A. GRCh37 (hg19) VCF-style: chr17-78327307-T-A.
Other names: c.10424-5T>A (NM_001256071.2).
Identifiers: ClinVar variation 504154 (VCV000504154.3), dbSNP rs766907090, ClinGen allele CA8821444.
Genomic context (GRCh38, chr17:80,353,507, plus strand): 5'-GCACCGCTGCCAGTCCCTGTGCCACCTTCTGAGTGGTAACGCAATCACGTTTGCTTCGAC[T>A]GCAGTGGGCTTGGAACACCGGGCGGAAGACGGCCATGAGGAGGCGATGGAGACGGAGGCC-3'

ClinVar aggregate classification (germline): Uncertain significance. Review status: criteria provided, multiple submitters, no conflicts (2 of 4 stars). 2 submissions from 2 submitters: Uncertain significance (2). Last evaluated 2026-07-29.

Conditions:
RNF213-related disorder. Also called: RNF213-related condition.

Allele frequency attached by ClinVar (database versions not stated): gnomAD exomes 0.00002 and 0.00005; ExAC 0.00003; TOPMed 0.00003; gnomAD 0.00004.
gnomAD v4.1: 84 of 1,607,288 alleles (0.0052%); highest among the groups gnomAD compares: Non-Finnish European, 0.0067%; no homozygotes.

Submissions (2):

PreventionGenetics, part of Exact Sciences
Classification: Uncertain significance for RNF213-related condition. Last evaluated: 2026-07-29. Review status: criteria provided, single submitter. Criteria: ACMG Guidelines, 2015. Collection method: clinical testing. Allele origin: germline.
Comment: The RNF213 c.10424-5T>A variant is predicted to interfere with splicing. To our knowledge, this variant has not been reported in the literature. This variant is reported in 0.0049% of alleles in individuals of European (Non-Finnish) descent in gnomAD. At this time, the clinical significance of this variant is uncertain due to the absence of conclusive functional and genetic evidence.

GeneDx
Classification: Uncertain significance. Last evaluated: 2018-01-29. Review status: criteria provided, single submitter. Criteria: GeneDx Variant Classification (06012015). Collection method: clinical testing. Allele origin: germline. Affected: yes.
Comment: The c.10424-5T>A variant in the RNF213 gene has not been reported previously as a pathogenic variant nor as a benign variant, to our knowledge. This variant reduces the quality of the splice acceptor site in intron 33, and is expected to cause abnormal gene splicing. The c.10424-5T>A variant is observed in 7/263252 (0.003%) alleles in large population cohorts (Lek et al., 2016). We interpret c.10424-5T>A as a variant of uncertain significance.